The following is an entry in ClinVar:

ClinVar aggregate classification (germline): Uncertain significance. Review status: criteria provided, multiple submitters, no conflicts (2 of 4 stars). 3 submissions from 3 submitters: Uncertain significance (3). Last evaluated 2025-02-19.

Conditions:
Hereditary cancer-predisposing syndrome. Also called: Tumor predisposition; Neoplastic Syndromes, Hereditary; Hereditary neoplastic syndrome; Hereditary Cancer Syndrome. Identifiers: Orphanet 140162, MedGen C0027672, MeSH D009386, MONDO:0015356.

Submissions (3):

GeneDx
Classification: Uncertain significance. Last evaluated: 2025-02-19. Review status: criteria provided, single submitter. Criteria: GeneDx Variant Classification Process June 2021. Collection method: clinical testing. Allele origin: germline. Affected: yes.
Comment: Not observed at significant frequency in large population cohorts (gnomAD); In silico analysis supports that this missense variant has a deleterious effect on protein structure/function; Has not been previously published as pathogenic or benign to our knowledge; This variant is associated with the following publications: (PMID: 26073604)

Ambry Genetics
Classification: Uncertain significance for Hereditary cancer-predisposing syndrome. Last evaluated: 2023-03-23. Review status: criteria provided, single submitter. Criteria: Ambry Variant Classification Scheme 2023. Collection method: clinical testing. Allele origin: germline.
Comment: The p.F25S variant (also known as c.74T>C), located in coding exon 1 of the SMARCB1 gene, results from a T to C substitution at nucleotide position 74. The phenylalanine at codon 25 is replaced by serine, an amino acid with highly dissimilar properties. This amino acid position is well conserved in available vertebrate species. In addition, the in silico prediction for this alteration is inconclusive. Missense and in-frame variants in SMARCB1 are known to cause neurodevelopmental disorders; however, such associations with rhabdoid tumor predisposition syndrome are exceedingly rare (Kosho T et al. Am J Med Genet C Semin Med Genet. 2014 Sep;166C(3):262-75; Eaton KW et al. Pediatr Blood Cancer. 2011 Jan;56(1):7-15). Based on the supporting evidence, the association of this alteration with Coffin-Siris syndrome is unknown; however, the association of this alteration with SMARCB1-related tumor predisposition syndrome is unlikely.

Labcorp Genetics (formerly Invitae), Labcorp
Classification: Uncertain significance. Last evaluated: 2022-02-18. Review status: criteria provided, single submitter. Criteria: Invitae Variant Classification Sherloc (09022015). Collection method: clinical testing. Allele origin: germline.
Comment: In summary, the available evidence is currently insufficient to determine the role of this variant in disease. Therefore, it has been classified as a Variant of Uncertain Significance. This sequence change replaces phenylalanine, which is neutral and non-polar, with serine, which is neutral and polar, at codon 25 of the SMARCB1 protein (p.Phe25Ser). This variant is not present in population databases (gnomAD no frequency). This variant has not been reported in the literature in individuals affected with SMARCB1-related conditions. Algorithms developed to predict the effect of missense changes on protein structure and function (SIFT, PolyPhen-2, Align-GVGD) all suggest that this variant is likely to be tolerated.

NM_003073.5(SMARCB1):c.74T>C (p.Phe25Ser)

Gene: SMARCB1 (SWI/SNF related BAF chromatin remodeling complex subunit B1; plus strand). Cytogenetic location: 22q11.23.
Variant type: single nucleotide variant.
Coding change: c.74T>C on transcript NM_003073.5 (MANE Select); coding-DNA position 74, T replaced by C.
Protein change: p.Phe25Ser; replaces phenylalanine 25 with serine.
Molecular consequence: missense variant.
Genome position (GRCh38, 1-based): chr22:23,787,243, T>C. VCF-style: chr22-23787243-T-C. GRCh37 (hg19) VCF-style: chr22-24129430-T-C.
Other names: c.74T>C, p.Phe25Ser (NM_001007468.3, NM_001317946.2, NM_001362877.2); c.74T>C (NM_003073.3); short protein forms F25S.
Identifiers: ClinVar variation 1514377 (VCV001514377.10), dbSNP rs2145952130, ClinGen allele CA410930896.